The following is an entry in ClinVar:

ClinVar aggregate classification (germline): Likely pathogenic (1 of 4 stars; one submission).

Conditions:
Multiple congenital anomalies-hypotonia-seizures syndrome 1 (MCAHS1). Also called: PIGN-CDG; Congenital disorder of glycosylation due to PIGN deficiency; GLYCOSYLPHOSPHATIDYLINOSITOL BIOSYNTHESIS DEFECT 3. Identifiers: Orphanet 280633, MedGen C3279775, MONDO:0013563, OMIM 614080.

Submission:

Labcorp Genetics (formerly Invitae), Labcorp
Classification: Likely pathogenic for Multiple congenital anomalies-hypotonia-seizures syndrome 1. Last evaluated: 2019-01-01. Review status: criteria provided, single submitter. Criteria: Invitae Variant Classification Sherloc (09022015). Collection method: clinical testing. Allele origin: germline.
Comment: In summary, the currently available evidence indicates that the variant is pathogenic, but additional data are needed to prove that conclusively. Therefore, this variant has been classified as Likely Pathogenic. Donor and acceptor splice site variants typically lead to a loss of protein function (PMID: 16199547), and loss-of-function variants in PIGN are known to be pathogenic (PMID: 24253414, 27038415). Algorithms developed to predict the effect of sequence changes on RNA splicing suggest that this variant may disrupt the consensus splice site, but this prediction has not been confirmed by published transcriptional studies. This variant has not been reported in the literature in individuals with PIGN-related conditions. This variant is not present in population databases (ExAC no frequency). This sequence change affects a donor splice site in intron 26 of the PIGN gene. It is expected to disrupt RNA splicing and likely results in an absent or disrupted protein product.

Literature cited by the submitters: PubMed 16199547; PubMed 24253414; PubMed 27038415.

NM_176787.5(PIGN):c.2426+1G>T

Gene: PIGN (phosphatidylinositol glycan anchor biosynthesis class N; minus strand). Cytogenetic location: 18q21.33.
Variant type: single nucleotide variant.
Coding change: c.2426+1G>T on transcript NM_176787.5 (MANE Select); the canonical splice donor site of the intron after coding-DNA position 2426, G replaced by T.
Molecular consequence: splice donor variant.
Genome position (GRCh38, 1-based): chr18:62,085,208, C>A on the plus strand (G>T on the coding strand, the complement: PIGN is on the minus strand). VCF-style: chr18-62085208-C-A. GRCh37 (hg19) VCF-style: chr18-59752441-C-A.
Other names: c.2426+1G>T (NM_012327.6).
Identifiers: ClinVar variation 843157 (VCV000843157.8), dbSNP rs1458045074, ClinGen allele CA402601474.
Genomic context (GRCh38, chr18:62,085,208, plus strand): 5'-AGAAGTCCCAGGTTGCATTATTTTTTAGTTATATATATATGCCACTTTCATTTAAAATTA[C>A]CTGTTAATAGAAGCTATATTTCCAGTTCCAAAAAATGCTGTCACTAAGAAGAAAACCTAA-3'